The following is an entry in ClinVar:

ClinVar aggregate classification (germline): Uncertain significance (1 of 4 stars; one submission).

gnomAD v4.1: 6 of 1,554,806 alleles (0.00039%); highest among the groups gnomAD compares: Middle Eastern, 0.017%; no homozygotes.

Submission:

GeneDx
Classification: Uncertain significance. Last evaluated: 2025-03-13. Review status: criteria provided, single submitter. Criteria: GeneDx Variant Classification Process June 2021. Collection method: clinical testing. Allele origin: germline. Affected: yes.
Comment: Not observed at significant frequency in large population cohorts (gnomAD); In silico analysis supports that this missense variant has a deleterious effect on protein structure/function; Has not been previously published as pathogenic or benign to our knowledge

NM_006214.4(PHYH):c.182A>G (p.Tyr61Cys)

Gene: PHYH (phytanoyl-CoA 2-hydroxylase; minus strand). Cytogenetic location: 10p13.
Variant type: single nucleotide variant.
Coding change: c.182A>G on transcript NM_006214.4 (MANE Select); coding-DNA position 182, A replaced by G.
Protein change: p.Tyr61Cys; replaces tyrosine 61 with cysteine.
Molecular consequence: missense variant. On other transcripts: 5 prime UTR variant (3).
Genome position (GRCh38, 1-based): chr10:13,295,559, T>C on the plus strand (A>G on the coding strand, the complement: PHYH is on the minus strand). VCF-style: chr10-13295559-T-C. GRCh37 (hg19) VCF-style: chr10-13337559-T-C.
Other names: c.-119A>G (NM_001037537.2, NM_001323080.2, NM_001323084.2); c.182A>G, p.Tyr61Cys (NM_001323082.2, NM_001323083.2); short protein forms Y61C.
Identifiers: ClinVar variation 4083329 (VCV004083329.1).